The following is an entry in ClinVar:

NM_000080.4(CHRNE):c.739ATC[1] (p.Ile248del)

Genes: CHRNE (cholinergic receptor nicotinic epsilon subunit; minus strand), C17orf107 (chromosome 17 open reading frame 107; plus strand). Cytogenetic location: 17p13.2.
Variant type: Microsatellite.
Coding change: c.739ATC[1] on transcript NM_000080.4 (MANE Select); one copy of the 3-base unit ATC starting at c.739; the reference has two copies in a row; one copy, 3 bases deleted; also written c.742_744del.
Protein change: p.Ile248del; deletes isoleucine 248.
Molecular consequence: inframe deletion. On other transcripts: 3 prime UTR variant (1).
Genome position (GRCh38, 1-based): chr17:4,901,048-4,901,050, GAT deleted on the plus strand (ATC on the coding strand, the reverse complement: CHRNE is on the minus strand); deleting any 3 consecutive bases within chr17:4,901,048-4,901,054 gives the same sequence; the position shown is the placement nearest the transcript's 3' end. VCF-style (leftmost placement, unchanged base first): chr17-4901047-CGAT-C. GRCh37 (hg19) VCF-style: chr17-4804342-CGAT-C.
Other names: c.*516ATG[1] (NM_001145536.2); c.742_744del (NM_000080.4); short protein forms I248del.
Identifiers: ClinVar variation 2179411 (VCV002179411.5), dbSNP rs2507554385, ClinGen allele CA2580613961.
Genomic context (GRCh38, chr17:4,901,047, plus strand): 5'-TACCCTGCGCCGGCAGGAAGTAGGCGAGCAGCACCAGGCCCGAGATGAGCACACAGGGCA[CGAT>C]GATGTTAATGACGTAGAAGAGCGGCTTCCGGCGGATGATGAGCGAGTAGATGACGTCAGT-3'

ClinVar aggregate classification (germline): Uncertain significance. Review status: criteria provided, multiple submitters, no conflicts (2 of 4 stars). 3 submissions from 3 submitters: Uncertain significance (3). Last evaluated 2025-09-17.

Conditions:
Congenital myasthenic syndrome 4A. Also called: Myasthenic syndrome, congenital, 4a, slow-channel; CONGENITAL MYASTHENIC SYNDROME TYPE Ia1; MYASTHENIC SYNDROME, CONGENITAL, 4A, SLOW-CHANNEL, AUTOSOMAL RECESSIVE. Identifiers: Orphanet 590, MedGen C4225413, MONDO:0011600, OMIM 605809.

Submissions (3):

Victorian Clinical Genetics Services, Murdoch Childrens Research Institute
Classification: Uncertain significance for Congenital myasthenic syndrome 4A. Last evaluated: 2025-09-17. Review status: criteria provided, single submitter. Criteria: ACMG Guidelines, 2015. Collection method: clinical testing. Allele origin: germline. Affected: yes.
Comment: This variant is classified as VUS-3B. Evidence in support of pathogenic classification: In-frame deletion in a non-repetitive region that has high conservation; Variant is absent from gnomAD (v2, v3 and v4). Additional information: This variant is heterozygous; This gene is associated with both recessive and dominant disease. Variants with a gain of function mechanism are associated with dominant disease, whereas biallelic loss of function variants are associated with recessive disease (PMID: 25792100); Previous evidence of pathogenicity for this variant is inconclusive. This variant has been classified as a variant of uncertain significance by a clinical laboratory in ClinVar; No published evidence of segregation with disease has been identified for this variant; No published functional evidence has been identified for this variant; No comparable in-frame deletion variants have previous evidence for pathogenicity; Variant is located in the annotated neurotransmitter-gated ion-channel transmembrane region (DECIPHER); Loss of function and gain of function are known mechanisms of disease in this gene. Loss of function is associated with congenital myasthenic syndrome, 4B, fast-channel (MIM#616324) and myasthenic syndrome, 4C, associated with acetylcholine receptor deficiency (MIM#608931). Gain of function is associated with myasthenic syndrome, 4A, slow-channel (MIM#605809) (PMID: 25792100); Inheritance information for this variant is not currently available in this individual.

Labcorp Genetics (formerly Invitae), Labcorp
Classification: Uncertain significance for Congenital myasthenic syndrome 4A. Last evaluated: 2024-03-25. Review status: criteria provided, single submitter. Criteria: Invitae Variant Classification Sherloc (09022015). Collection method: clinical testing. Allele origin: germline.
Comment: This variant, c.742_744del, results in the deletion of 1 amino acid(s) of the CHRNE protein (p.Ile248del), but otherwise preserves the integrity of the reading frame. This variant is not present in population databases (gnomAD no frequency). This variant has not been reported in the literature in individuals affected with CHRNE-related conditions. Experimental studies and prediction algorithms are not available or were not evaluated, and the functional significance of this variant is currently unknown. In summary, the available evidence is currently insufficient to determine the role of this variant in disease. Therefore, it has been classified as a Variant of Uncertain Significance.

Blueprint Genetics
Classification: Uncertain significance. Last evaluated: 2023-04-26. Review status: criteria provided, single submitter. Criteria: ACMG Guidelines, 2015. Collection method: clinical testing. Allele origin: germline.

Literature cited by the submitters: PubMed 25792100 (cited by Victorian Clinical Genetics Services, Murdoch Childrens Research Institute).